The following is an entry in ClinVar:

NM_002156.5(HSPD1):c.130G>A (p.Val44Ile)

Gene: HSPD1 (heat shock protein family D (Hsp60) member 1; minus strand). Cytogenetic location: 2q33.1.
Variant type: single nucleotide variant.
Coding change: c.130G>A on transcript NM_002156.5 (MANE Select); coding-DNA position 130, G replaced by A.
Protein change: p.Val44Ile; replaces valine 44 with isoleucine.
Molecular consequence: missense variant.
Genome position (GRCh38, 1-based): chr2:197,498,719, C>T on the plus strand (G>A on the coding strand, the complement: HSPD1 is on the minus strand). VCF-style: chr2-197498719-C-T. GRCh37 (hg19) VCF-style: chr2-198363443-C-T.
Other names: c.130G>A, p.Val44Ile (NM_199440.2); short protein forms V44I.
Identifiers: ClinVar variation 856622 (VCV000856622.7), dbSNP rs2086193983, ClinGen allele CA350204132.

ClinVar aggregate classification (germline): Uncertain significance (1 of 4 stars; one submission).

Conditions:
Spastic paraplegia. Identifiers: MedGen C0037772, HP:0001258.

Submission:

Labcorp Genetics (formerly Invitae), Labcorp
Classification: Uncertain significance for Spastic paraplegia. Last evaluated: 2023-06-16. Review status: criteria provided, single submitter. Criteria: Invitae Variant Classification Sherloc (09022015). Collection method: clinical testing. Allele origin: germline.
Comment: ClinVar contains an entry for this variant (Variation ID: 856622). In summary, the available evidence is currently insufficient to determine the role of this variant in disease. Therefore, it has been classified as a Variant of Uncertain Significance. Algorithms developed to predict the effect of sequence changes on RNA splicing suggest that this variant may create or strengthen a splice site. Advanced modeling of protein sequence and biophysical properties (such as structural, functional, and spatial information, amino acid conservation, physicochemical variation, residue mobility, and thermodynamic stability) performed at Invitae indicates that this missense variant is not expected to disrupt HSPD1 protein function. This variant has not been reported in the literature in individuals affected with HSPD1-related conditions. This variant is not present in population databases (gnomAD no frequency). This sequence change replaces valine, which is neutral and non-polar, with isoleucine, which is neutral and non-polar, at codon 44 of the HSPD1 protein (p.Val44Ile).